The following is an entry in ClinVar:

NM_001267550.2(TTN):c.64719C>T (p.Asp21573=)

Genes: TTN (titin; minus strand), TTN-AS1 (TTN antisense RNA 1; plus strand). Cytogenetic location: 2q31.2.
Variant type: single nucleotide variant.
Coding change: c.64719C>T on transcript NM_001267550.2 (MANE Select); coding-DNA position 64719, C replaced by T.
Protein change: p.Asp21573=; no amino-acid change (aspartic acid 21573 retained).
Molecular consequence: synonymous variant. On other transcripts: non-coding transcript variant (1).
Genome position (GRCh38, 1-based): chr2:178,584,922, G>A on the plus strand (C>T on the coding strand, the complement: TTN is on the minus strand). VCF-style: chr2-178584922-G-A. GRCh37 (hg19) VCF-style: chr2-179449649-G-A.
Other names: c.57015C>T, p.Asp19005= (NM_133378.4); c.59796C>T, p.Asp19932= (NM_001256850.1); c.37524C>T, p.Asp12508= (NM_003319.4); c.37899C>T, p.Asp12633= (NM_133432.3); c.38100C>T, p.Asp12700= (NM_133437.4).
Identifiers: ClinVar variation 179585 (VCV000179585.15), dbSNP rs727504967, ClinGen allele CA184718.

ClinVar aggregate classification (germline): Likely benign. Review status: criteria provided, multiple submitters, no conflicts (2 of 4 stars). 3 submissions from 3 submitters: Likely benign (3). Last evaluated 2025-12-31.

Conditions:
Autosomal recessive limb-girdle muscular dystrophy type 2J (LGMDR10). Also called: Limb-girdle muscular dystrophy, type 2J; MUSCULAR DYSTROPHY, LIMB-GIRDLE, AUTOSOMAL RECESSIVE 10. Identifiers: Orphanet 140922, MedGen C1837342, MONDO:0012127, OMIM 608807.
Dilated cardiomyopathy 1G (CMD1G). Identifiers: Orphanet 154, MedGen C1858763, MONDO:0011400, OMIM 604145.

Allele frequency attached by ClinVar (database versions not stated): TOPMed below 0.00001; gnomAD 0.00001; ExAC 0.00005.
gnomAD v4.1: 27 of 1,613,134 alleles (0.0017%); highest among the groups gnomAD compares: East Asian, 0.013%; no homozygotes.

Submissions (3):

Labcorp Genetics (formerly Invitae), Labcorp
Classification: Likely benign for Dilated cardiomyopathy 1G; Autosomal recessive limb-girdle muscular dystrophy type 2J. Last evaluated: 2025-12-31. Review status: criteria provided, single submitter. Criteria: Invitae Variant Classification Sherloc (09022015). Collection method: clinical testing. Allele origin: germline.

Blueprint Genetics
Classification: Likely benign. Last evaluated: 2023-04-04. Review status: criteria provided, single submitter. Criteria: ACMG Guidelines, 2015. Collection method: clinical testing. Allele origin: germline.

Laboratory for Molecular Medicine, Mass General Brigham Personalized Medicine
Classification: Likely benign. Last evaluated: 2014-03-05. Review status: criteria provided, single submitter. Criteria: LMM Criteria. Collection method: clinical testing. Allele origin: germline. Observed: 1 variant allele.
Comment: Asp19005Asp in TTN: This variant is not expected to have clinical significance b ecause it does not alter an amino acid residue and is not located within the spl ice consensus sequence. Asp19005Asp in exon 259 of TTN (allele frequency =n/a)